The following is an entry in ClinVar:

ClinVar aggregate classification (germline): Benign (1 of 4 stars; one submission).

Conditions:
Episodic ataxia type 1 (EA1). Also called: Episodic ataxia/myokymia syndrome; ATAXIA, EPISODIC, WITH MYOKYMIA; MYOKYMIA WITH PERIODIC ATAXIA; PAROXYSMAL ATAXIA WITH NEUROMYOTONIA, HEREDITARY. Identifiers: Orphanet 37612, Orphanet 972, MedGen C1719788, MONDO:0008047, OMIM 160120.

Allele frequency attached by ClinVar (database versions not stated): gnomAD 0.00161 and 0.00170; TOPMed 0.00188; 1000 Genomes Project 0.00300; 1000 Genomes Project 30x 0.00344.

Submission:

Illumina Laboratory Services, Illumina
Classification: Benign for Episodic ataxia type 1. Last evaluated: 2018-01-13. Review status: criteria provided, single submitter. Criteria: ICSL Variant Classification Criteria 13 December 2019. Collection method: clinical testing. Allele origin: germline.
Comment: This variant was observed in the ICSL laboratory as part of a predisposition screen in an ostensibly healthy population. It had not been previously curated by ICSL or reported in the Human Gene Mutation Database (HGMD: prior to June 1st, 2018), and was therefore a candidate for classification through an automated scoring system. Utilizing variant allele frequency, disease prevalence and penetrance estimates, and inheritance mode, an automated score was calculated to assess if this variant is too frequent to cause the disease. Based on the score and internal cut-off values, a variant classified as benign is not then subjected to further curation. The score for this variant resulted in a classification of benign for this disease.

NM_000217.3(KCNA1):c.*4591T>G

Gene: KCNA1 (potassium voltage-gated channel subfamily A member 1; plus strand). Cytogenetic location: 12p13.32.
Variant type: single nucleotide variant.
Coding change: c.*4591T>G on transcript NM_000217.3 (MANE Select); 4591 bases downstream of the stop codon, T replaced by G.
Molecular consequence: 3 prime UTR variant.
Genome position (GRCh38, 1-based): chr12:4,917,457, T>G. VCF-style: chr12-4917457-T-G. GRCh37 (hg19) VCF-style: chr12-5026623-T-G.
Identifiers: ClinVar variation 880893 (VCV000880893.4), dbSNP rs150901962, ClinGen allele CA231859189.